The following is an entry in ClinVar:

NM_002691.4(POLD1):c.2488dup (p.Glu830fs)

Gene: POLD1 (DNA polymerase delta 1, catalytic subunit; plus strand). Cytogenetic location: 19q13.33.
Variant type: Duplication.
Coding change: c.2488dup on transcript NM_002691.4 (MANE Select); coding-DNA position 2488, one base duplicated (G; older notation c.2488dupG).
Protein change: p.Glu830fs; shifts the reading frame from glutamic acid 830.
Molecular consequence: frameshift variant. On other transcripts: non-coding transcript variant (1).
Genome position (GRCh38, 1-based): chr19:50,414,914, G duplicated; the last of 2 consecutive G bases (chr19:50,414,913-50,414,914); duplicating either gives the same sequence. VCF-style (leftmost placement, unchanged base first): chr19-50414912-T-TG. GRCh37 (hg19) VCF-style: chr19-50918169-T-TG.
Other names: c.2488dup, p.Glu830fs (NM_001256849.1); c.2566dup, p.Glu856fs (NM_001308632.1); short protein forms E830fs, E856fs.
Identifiers: ClinVar variation 835597 (VCV000835597.9), dbSNP rs2039219713, ClinGen allele CA916082478.

ClinVar aggregate classification (germline): Uncertain significance (1 of 4 stars; one submission).

Conditions:
POLD1-related polyposis and colorectal cancer syndrome (CRCS10). Also called: Colorectal cancer 10; COLORECTAL CANCER, SUSCEPTIBILITY TO, ON CHROMOSOME 19q; Colorectal cancer, susceptibility to, 10. Identifiers: Orphanet 220460, MedGen C2675481, MONDO:0012953, OMIM 612591.

Submission:

Labcorp Genetics (formerly Invitae), Labcorp
Classification: Uncertain significance for POLD1-related polyposis and colorectal cancer syndrome. Last evaluated: 2019-04-11. Review status: criteria provided, single submitter. Criteria: Invitae Variant Classification Sherloc (09022015). Collection method: clinical testing. Allele origin: germline.
Comment: This sequence change creates a premature translational stop signal (p.Glu830Glyfs*29) in the POLD1 gene. It is expected to result in an absent or disrupted protein product. This variant is not present in population databases (ExAC no frequency). This variant has not been reported in the literature in individuals with POLD1-related conditions. Missense variants that disrupt the 3'-5' exonuclease (proof-reading) activity of the POLD1 protein, while not abolishing its polymerase enzyme activity, are associated with an increased risk for colonic adenomatous polyps and colon cancer (PMID: 23263490, 23447401). Loss-of-function truncating variants, which result in an absent or severely disrupted POLD1 protein, are therefore unlikely to be associated with disease. Without further clinical and genetic evidence, however, this variant has been classified as a Variant of Uncertain Significance.

Literature cited by the submitters: PubMed 23263490; PubMed 23447401.